The following is an entry in ClinVar:

NM_198076.6(COX20):c.221+281T>A

Gene: COX20 (cytochrome c oxidase assembly factor COX20; plus strand). Cytogenetic location: 1q44.
Variant type: single nucleotide variant.
Coding change: c.221+281T>A on transcript NM_198076.6 (MANE Select); 281 bases into the intron after coding-DNA position 221, T replaced by A.
Molecular consequence: intron variant.
Genome position (GRCh38, 1-based): chr1:244,842,539, T>A. VCF-style: chr1-244842539-T-A. GRCh37 (hg19) VCF-style: chr1-245005841-T-A.
Other names: c.221+281T>A (NM_001312871.1); c.257+281T>A (NM_001312872.1); c.31+281T>A (NM_001312874.1); c.86+281T>A (NM_001312873.1).
Identifiers: ClinVar variation 683603 (VCV000683603.2), dbSNP rs12096894, ClinGen allele CA15083125.

ClinVar aggregate classification (germline): Benign. Review status: criteria provided, multiple submitters, no conflicts (2 of 4 stars). 2 submissions from 2 submitters: Benign (2). Last evaluated 2018-06-14.

Allele frequency attached by ClinVar (database versions not stated): 1000 Genomes Project 0.11681; 1000 Genomes Project 30x 0.12024; gnomAD exomes 0.13071; gnomAD 0.13755 and 0.13928; TOPMed 0.14025.

Submissions (2):

GeneDx
Classification: Benign. Last evaluated: 2018-06-14. Review status: criteria provided, single submitter. Criteria: GeneDx Variant Classification (06012015). Collection method: clinical testing. Allele origin: germline. Affected: yes.
Comment: This variant is considered likely benign or benign based on one or more of the following criteria: it is a conservative change, it occurs at a poorly conserved position in the protein, it is predicted to be benign by multiple in silico algorithms, and/or has population frequency not consistent with disease.

Breakthrough Genomics
Classification: Benign. Review status: criteria provided, single submitter. Criteria: ACMG Guidelines, 2015. Collection method: not provided. Allele origin: germline. Inheritance: Autosomal recessive inheritance. Affected: yes.